The following is an entry in ClinVar:

NM_207361.6(FREM2):c.6421G>A (p.Glu2141Lys)

Gene: FREM2 (FRAS1 related extracellular matrix 2; plus strand). Cytogenetic location: 13q13.3.
Variant type: single nucleotide variant.
Coding change: c.6421G>A on transcript NM_207361.6 (MANE Select); coding-DNA position 6421, G replaced by A.
Protein change: p.Glu2141Lys; replaces glutamic acid 2141 with lysine.
Molecular consequence: missense variant.
Genome position (GRCh38, 1-based): chr13:38,850,079, G>A. VCF-style: chr13-38850079-G-A. GRCh37 (hg19) VCF-style: chr13-39424216-G-A.
Other names: c.6421G>A (NM_207361.4); short protein forms E2141K.
Identifiers: ClinVar variation 595837 (VCV000595837.10), dbSNP rs376602370, ClinGen allele CA6955561.

ClinVar aggregate classification (germline): Uncertain significance. Review status: criteria provided, multiple submitters, no conflicts (2 of 4 stars). 4 submissions from 4 submitters: Uncertain significance (4). Last evaluated 2025-10-23.

Conditions:
Isolated cryptophthalmia. Also called: Cryptophthalmos, unilateral or bilateral, isolated; ANKYLOBLEPHARON, SIMPLE. Identifiers: Orphanet 91396, MedGen C1852453, MONDO:0007410, OMIM 123570.
Fraser syndrome 2 (FRASRS2). Identifiers: MedGen C4540036, MONDO:0054738, OMIM 617666.
Inborn genetic diseases. Identifiers: MedGen C0950123, MeSH D030342.

Allele frequency attached by ClinVar (database versions not stated): gnomAD exomes 0.00001 and 0.00002; ExAC 0.00002; ESP Exome Variant Server 0.00008; TOPMed 0.00010; gnomAD 0.00012 and 0.00013.
gnomAD v4.1: 37 of 1,613,892 alleles (0.0023%); highest among the groups gnomAD compares: African/African-American, 0.033%; no homozygotes.

Submissions (4):

Ambry Genetics
Classification: Uncertain significance for Inborn genetic diseases. Last evaluated: 2025-10-23. Review status: criteria provided, single submitter. Criteria: Ambry Variant Classification Scheme 2023. Collection method: clinical testing. Allele origin: germline.

Labcorp Genetics (formerly Invitae), Labcorp
Classification: Uncertain significance. Last evaluated: 2022-08-29. Review status: criteria provided, single submitter. Criteria: Invitae Variant Classification Sherloc (09022015). Collection method: clinical testing. Allele origin: germline.
Comment: This sequence change replaces glutamic acid, which is acidic and polar, with lysine, which is basic and polar, at codon 2141 of the FREM2 protein (p.Glu2141Lys). This variant is present in population databases (rs376602370, gnomAD 0.03%). This variant has not been reported in the literature in individuals affected with FREM2-related conditions. ClinVar contains an entry for this variant (Variation ID: 595837). Algorithms developed to predict the effect of missense changes on protein structure and function are either unavailable or do not agree on the potential impact of this missense change (SIFT: "Deleterious"; PolyPhen-2: "Probably Damaging"; Align-GVGD: "Class C0"). In summary, the available evidence is currently insufficient to determine the role of this variant in disease. Therefore, it has been classified as a Variant of Uncertain Significance.

Fulgent Genetics
Classification: Uncertain significance for Isolated cryptophthalmia; Fraser syndrome 2. Last evaluated: 2022-03-22. Review status: criteria provided, single submitter. Criteria: ACMG Guidelines, 2015. Collection method: clinical testing. Allele origin: unknown.

Eurofins Ntd Llc (ga)
Classification: Uncertain significance. Last evaluated: 2018-01-24. Review status: criteria provided, single submitter. Criteria: EGL Classification Definitions 2015. Collection method: clinical testing. Allele origin: germline. Observed: 1 variant allele, 1 heterozygote.